The following is an entry in ClinVar:

NM_004415.4(DSP):c.4946G>A (p.Arg1649Lys)

Gene: DSP (desmoplakin; plus strand). Cytogenetic location: 6p24.3.
Variant type: single nucleotide variant.
Coding change: c.4946G>A on transcript NM_004415.4 (MANE Select); coding-DNA position 4946, G replaced by A.
Protein change: p.Arg1649Lys; replaces arginine 1649 with lysine.
Molecular consequence: missense variant. On other transcripts: intron variant (2).
Genome position (GRCh38, 1-based): chr6:7,581,136, G>A. VCF-style: chr6-7581136-G-A. GRCh37 (hg19) VCF-style: chr6-7581369-G-A.
Other names: c.4050+896G>A (NM_001319034.2); c.3582+1364G>A (NM_001008844.3); short protein forms R1649K.
Identifiers: ClinVar variation 1396911 (VCV001396911.9), dbSNP rs2113695278, ClinGen allele CA362687505.

ClinVar aggregate classification (germline): Uncertain significance. Review status: criteria provided, multiple submitters, no conflicts (2 of 4 stars). 2 submissions from 2 submitters: Uncertain significance (2). Last evaluated 2024-01-11.

Conditions:
Arrhythmogenic cardiomyopathy with wooly hair and keratoderma. Also called: Dilated cardiomyopathy with woolly hair and keratoderma; Arrhythmogenic cardiomyopathy with woolly hair and keratoderma; PALMOPLANTAR KERATODERMA WITH LEFT VENTRICULAR CARDIOMYOPATHY AND WOOLLY HAIR; Carvajal syndrome. Identifiers: Orphanet 65282, MedGen C1854063, MONDO:0011581, OMIM 605676.
Arrhythmogenic right ventricular dysplasia 8 (ARVD8). Also called: Arrhythmogenic Right Ventricular Dysplasia/Cardiomyopathy 8; ARRHYTHMOGENIC RIGHT VENTRICULAR DYSPLASIA, FAMILIAL, 8; ARRHYTHMOGENIC RIGHT VENTRICULAR CARDIOMYOPATHY 8. Identifiers: MedGen C1843896, MONDO:0011831, OMIM 607450.

Submissions (2):

All of Us Research Program, National Institutes of Health
Classification: Uncertain significance for Arrhythmogenic cardiomyopathy with wooly hair and keratoderma. Last evaluated: 2024-01-11. Review status: criteria provided, single submitter. Criteria: ACMG Guidelines, 2015. Collection method: clinical testing. Allele origin: germline. Inheritance: Autosomal dominant inheritance. Observed: 2 variant alleles, 2 heterozygotes.
Comment: This missense variant replaces arginine with lysine at codon 1649 of the DSP protein. Computational prediction suggests that this variant may not impact protein structure and function (internally defined REVEL score threshold <= 0.5, PMID: 27666373). To our knowledge, functional studies have not been reported for this variant. This variant has not been reported in individuals affected with DSP-related disorders in the literature. This variant has not been identified in the general population by the Genome Aggregation Database (gnomAD). The available evidence is insufficient to determine the role of this variant in disease conclusively. Therefore, this variant is classified as a Variant of Uncertain Significance.

This study involves interpretation of variants in research participants for the purpose of population health screening. Participant phenotype was not available at the time of variant classification. Additional details can be found in publication PMID: 35346344, PMCID: PMC8962531

Labcorp Genetics (formerly Invitae), Labcorp
Classification: Uncertain significance for Arrhythmogenic cardiomyopathy with wooly hair and keratoderma; Arrhythmogenic right ventricular dysplasia 8. Last evaluated: 2021-04-19. Review status: criteria provided, single submitter. Criteria: Invitae Variant Classification Sherloc (09022015). Collection method: clinical testing. Allele origin: germline.
Comment: In summary, the available evidence is currently insufficient to determine the role of this variant in disease. Therefore, it has been classified as a Variant of Uncertain Significance. Algorithms developed to predict the effect of missense changes on protein structure and function output the following: SIFT: "Tolerated"; PolyPhen-2: "Benign"; Align-GVGD: "Class C0". The lysine amino acid residue is found in multiple mammalian species, suggesting that this missense change does not adversely affect protein function. These predictions have not been confirmed by published functional studies and their clinical significance is uncertain. This variant has not been reported in the literature in individuals with DSP-related conditions. This variant is not present in population databases (ExAC no frequency). This sequence change replaces arginine with lysine at codon 1649 of the DSP protein (p.Arg1649Lys). The arginine residue is highly conserved and there is a small physicochemical difference between arginine and lysine.